The following is an entry in ClinVar:

ClinVar aggregate classification (germline): Benign (1 of 4 stars; one submission).

Conditions:
Neurofibromatosis, type 1 (NF1). Also called: VON RECKLINGHAUSEN DISEASE; NEUROFIBROMATOSIS, TYPE I, SOMATIC; Peripheral type neurofibromatosis; Neurofibromatosis, type I. Identifiers: Orphanet 636, MedGen C0027831, MONDO:0018975, OMIM 162200. Disease mechanism: loss of function.

Submission:

Myriad Genetics, Inc.
Classification: Benign for Neurofibromatosis, type 1. Last evaluated: 2026-05-15. Review status: criteria provided, single submitter. Criteria: Myriad Autosomal Dominant, Autosomal Recessive and X-Linked Classification Criteria (2023). Collection method: clinical testing. Allele origin: unknown.
Comment: This variant is considered benign. This variant is a silent/synonymous amino acid change and it is not expected to impact splicing.

NM_001042492.3(NF1):c.1377A>G (p.Ala459=)

Gene: NF1 (neurofibromin 1; plus strand). Cytogenetic location: 17q11.2.
Variant type: single nucleotide variant.
Coding change: c.1377A>G on transcript NM_001042492.3 (MANE Select); coding-DNA position 1377, A replaced by G.
Protein change: p.Ala459=; no amino-acid change (alanine 459 retained).
Molecular consequence: synonymous variant.
Genome position (GRCh38, 1-based): chr17:31,206,356, A>G. VCF-style: chr17-31206356-A-G. GRCh37 (hg19) VCF-style: chr17-29533374-A-G.
Other names: c.1377A>G, p.Ala459= (NM_000267.4, NM_001128147.3).
Identifiers: ClinVar variation 4875832 (VCV004875832.1).